The following is an entry in ClinVar:

NM_000222.3(KIT):c.14G>C (p.Arg5Pro)

Gene: KIT (KIT proto-oncogene, receptor tyrosine kinase; plus strand). Cytogenetic location: 4q12.
Variant type: single nucleotide variant.
Coding change: c.14G>C on transcript NM_000222.3 (MANE Select); coding-DNA position 14, G replaced by C.
Protein change: p.Arg5Pro; replaces arginine 5 with proline.
Molecular consequence: missense variant.
Genome position (GRCh38, 1-based): chr4:54,658,028, G>C. VCF-style: chr4-54658028-G-C. GRCh37 (hg19) VCF-style: chr4-55524195-G-C.
Other names: c.14G>C, p.Arg5Pro (NM_001093772.2, NM_001385284.1, NM_001385285.1 and 4 more transcripts); short protein forms R5P.
Identifiers: ClinVar variation 951561 (VCV000951561.10), dbSNP rs1716939382, ClinGen allele CA356897861.

ClinVar aggregate classification (germline): Uncertain significance (1 of 4 stars; one submission).

Conditions:
Gastrointestinal stromal tumor. Also called: Gastrointestinal stromal tumor, somatic; Gastrointestinal stroma tumor. Identifiers: Orphanet 44890, MedGen C0238198, MeSH D046152, MONDO:0011719, OMIM 606764, HP:0100723.

gnomAD v4.1: 1 of 1,613,902 alleles (0.000062%); highest among the groups gnomAD compares: Non-Finnish European, 0.000085%; no homozygotes.

Submission:

Labcorp Genetics (formerly Invitae), Labcorp
Classification: Uncertain significance for Gastrointestinal stromal tumor. Last evaluated: 2025-10-24. Review status: criteria provided, single submitter. Criteria: Invitae Variant Classification Sherloc (09022015). Collection method: clinical testing. Allele origin: germline.
Comment: This sequence change replaces arginine, which is basic and polar, with proline, which is neutral and non-polar, at codon 5 of the KIT protein (p.Arg5Pro). This variant is not present in population databases (gnomAD no frequency). This variant has not been reported in the literature in individuals affected with KIT-related conditions. ClinVar contains an entry for this variant (Variation ID: 951561). An algorithm developed to predict the effect of missense changes on protein structure and function outputs the following: PolyPhen-2: "Benign". The proline amino acid residue is found in multiple mammalian species, which suggests that this missense change does not adversely affect protein function. In summary, the available evidence is currently insufficient to determine the role of this variant in disease. Therefore, it has been classified as a Variant of Uncertain Significance.